The following is an entry in ClinVar:

NM_001394062.1(MACF1):c.17642G>A (p.Arg5881Gln)

Gene: MACF1 (microtubule actin crosslinking factor 1; plus strand). Cytogenetic location: 1p34.3.
Variant type: single nucleotide variant.
Coding change: c.17642G>A on transcript NM_001394062.1 (MANE Select); coding-DNA position 17642, G replaced by A.
Protein change: p.Arg5881Gln; replaces arginine 5881 with glutamine.
Molecular consequence: missense variant.
Genome position (GRCh38, 1-based): chr1:39,434,490, G>A. VCF-style: chr1-39434490-G-A. GRCh37 (hg19) VCF-style: chr1-39900162-G-A.
Other names: c.5711G>A, p.Arg1904Gln (NM_001397473.1); c.11456G>A, p.Arg3819Gln (NM_012090.5); short protein forms R5881Q, R1904Q, R3819Q.
Identifiers: ClinVar variation 4978746 (VCV004978746.1).

ClinVar aggregate classification (germline): Uncertain significance (1 of 4 stars; one submission).

Conditions:
MACF1-related disorder. Also called: MACF1-related condition.

gnomAD v4.1: 37 of 1,613,406 alleles (0.0023%); highest among the groups gnomAD compares: African/African-American, 0.0054%; no homozygotes.

Submission:

PreventionGenetics, part of Exact Sciences
Classification: Uncertain significance for MACF1-related condition. Last evaluated: 2026-09-15. Review status: criteria provided, single submitter. Criteria: ACMG Guidelines, 2015. Collection method: clinical testing. Allele origin: germline.
Comment: The MACF1 c.11456G>A variant is predicted to result in the amino acid substitution p.Arg3819Gln. To our knowledge, this variant has not been reported in the literature. This variant is reported in 0.0054% of alleles in individuals of East Asian descent in gnomAD. At this time, the clinical significance of this variant is uncertain due to the absence of conclusive functional and genetic evidence.